The following is an entry in ClinVar:

ClinVar aggregate classification (germline): Pathogenic (1 of 4 stars; one submission).

Submission:

Labcorp Genetics (formerly Invitae), Labcorp
Classification: Pathogenic. Last evaluated: 2021-05-05. Review status: criteria provided, single submitter. Criteria: Invitae Variant Classification Sherloc (09022015). Collection method: clinical testing. Allele origin: germline.
Comment: For these reasons, this variant has been classified as Pathogenic. This variant has not been reported in the literature in individuals with TCF20-related conditions. This variant is not present in population databases (ExAC no frequency). This sequence change creates a premature translational stop signal (p.Val277Glyfs*3) in the TCF20 gene. It is expected to result in an absent or disrupted protein product. Loss-of-function variants in TCF20 are known to be pathogenic (PMID: 30739909, 30819258).

Literature cited by the submitters: PubMed 30739909; PubMed 30819258.

NM_001378418.1(TCF20):c.830_831del (p.Val277fs)

Gene: TCF20 (transcription factor 20; minus strand). Cytogenetic location: 22q13.2.
Variant type: Microsatellite.
Coding change: c.830_831del on transcript NM_001378418.1 (MANE Select); coding-DNA positions 830 to 831, 2 bases deleted (TG; older notation c.830_831delTG).
Protein change: p.Val277fs; shifts the reading frame from valine 277.
Molecular consequence: frameshift variant.
Genome position (GRCh38, 1-based): chr22:42,214,475-42,214,476, CA deleted on the plus strand (TG on the coding strand, the reverse complement: TCF20 is on the minus strand); deleting any 2 consecutive bases within chr22:42,214,475-42,214,478 gives the same sequence; the c. name uses the placement nearest the transcript's 3' end. VCF-style (leftmost placement, unchanged base first): chr22-42214474-CCA-C. GRCh37 (hg19) VCF-style: chr22-42610480-CCA-C.
Other names: c.830_831del, p.Val277fs (NM_005650.4, NM_181492.3); short protein forms V277fs.
Identifiers: ClinVar variation 1431324 (VCV001431324.6), dbSNP rs2147220327, ClinGen allele CA2580615331.
Genomic context (GRCh38, chr22:42,214,474, plus strand): 5'-TCATAGATTGAGGCTGATAGCTGTAATTGGATTGTGTTCCATAAGCCTGTGCATTAGAAC[CCA>C]CATTGTGTCCTTCATACTGAGATCCAGCATTCACATTGTAACTGCCATCATAGCTCTGTC-3'